The following is an entry in ClinVar:

NM_006940.6(SOX5):c.1964A>G (p.Glu655Gly)

Gene: SOX5 (SRY-box transcription factor 5; minus strand). Cytogenetic location: 12p12.1.
Variant type: single nucleotide variant.
Coding change: c.1964A>G on transcript NM_006940.6 (MANE Select); coding-DNA position 1964, A replaced by G.
Protein change: p.Glu655Gly; replaces glutamic acid 655 with glycine.
Molecular consequence: missense variant.
Genome position (GRCh38, 1-based): chr12:23,536,477, T>C on the plus strand (A>G on the coding strand, the complement: SOX5 is on the minus strand). VCF-style: chr12-23536477-T-C. GRCh37 (hg19) VCF-style: chr12-23689411-T-C.
Other names: c.1601A>G, p.Glu534Gly (NM_001261414.3); c.1934A>G, p.Glu645Gly (NM_001261415.3); c.1859A>G, p.Glu620Gly (NM_001330785.2); c.1925A>G, p.Glu642Gly (NM_152989.5); c.806A>G, p.Glu269Gly (NM_178010.4); short protein forms E645G, E534G, E655G, E269G, E642G, E620G.
Identifiers: ClinVar variation 4983644 (VCV004983644.1).
Genomic context (GRCh38, chr12:23,536,477, plus strand): 5'-TTTGCCCCATGAGAAAAATGACTAAAAGGTACATACCCAACATTGAAGTACTGCCGCATT[T>C]CCTGCCGCCTGTTGCGCATGATTGCCTTGTATTCACCAATGCGCAGCTTTTTGCCATCCA-3'
Protein context (NP_008871.3, residues 645-665): YKAIMRNRRQ[Glu655Gly]MRQYFNVGQQ

ClinVar aggregate classification (germline): Uncertain significance (1 of 4 stars; one submission).

Conditions:
SOX5-related disorder. Also called: SOX5-related condition.

Submission:

PreventionGenetics, part of Exact Sciences
Classification: Uncertain significance for SOX5-related condition. Last evaluated: 2026-08-14. Review status: criteria provided, single submitter. Criteria: ACMG Guidelines, 2015. Collection method: clinical testing. Allele origin: germline.
Comment: The SOX5 c.1964A>G variant is predicted to result in the amino acid substitution p.Glu655Gly. To our knowledge, this variant has not been reported in the literature or in a large population database (gnomAD), indicating this variant is rare. At this time, the clinical significance of this variant is uncertain due to the absence of conclusive functional and genetic evidence.